The following is an entry in ClinVar:

ClinVar aggregate classification (germline): Likely pathogenic (1 of 4 stars; one submission).

Conditions:
MHC class II deficiency. Also called: BLS, TYPE II; Bare lymphocyte syndrome 2. Identifiers: Orphanet 572, MedGen C5447452, MONDO:0008855.

Submission:

Natera, Inc.
Classification: Likely pathogenic for Bare lymphocyte syndrome type II. Last evaluated: 2025-01-09. Review status: criteria provided, single submitter. Criteria: Natera Variant Classification Schema (03/2026). Collection method: clinical testing. Allele origin: germline.
Comment: The c.1135del variant in CIITA is a frameshift variant predicted to shift the reading frame beginning at codon 379 and leads to a stop codon 37 codons downstream. This variant is expected to result in nonsense mediated decay, truncation, or a dysfunctional protein product. This variant is rare in the general population with a frequency below the threshold expected for the associated phenotype(s). Given the available evidence, this variant is classified as Likely Pathogenic.

NM_000246.4(CIITA):c.1135del (p.Glu379fs)

Gene: CIITA (class II major histocompatibility complex transactivator; plus strand). Cytogenetic location: 16p13.13.
Variant type: Deletion.
Coding change: c.1135del on transcript NM_000246.4 (MANE Select); coding-DNA position 1135, one base deleted (G; older notation c.1135delG).
Protein change: p.Glu379fs; shifts the reading frame from glutamic acid 379.
Molecular consequence: frameshift variant. On other transcripts: intron variant (1).
Genome position (GRCh38, 1-based): chr16:10,906,627, G deleted; the last of 2 consecutive G bases (chr16:10,906,626-10,906,627); deleting either gives the same sequence. VCF-style (leftmost placement, unchanged base first): chr16-10906625-TG-T. GRCh37 (hg19) VCF-style: chr16-11000482-TG-T.
Other names: c.1135delG, p.Glu379Serfs (NM_000246.3); c.1138del, p.Glu380fs (NM_001286402.1, NM_001379332.1); c.991del, p.Glu331fs (NM_001379330.1); c.988del, p.Glu330fs (NM_001379331.1); c.1135del, p.Glu379fs (NM_001379333.1); c.1066del, p.Glu356fs (NM_001379334.1); c.859+1815del (NM_001286403.2); short protein forms E330fs, E331fs, E356fs, E379fs, E380fs.
Identifiers: ClinVar variation 4064807 (VCV004064807.2).